The following is an entry in ClinVar:

NM_012154.5(AGO2):c.1168A>C (p.Thr390Pro)

Gene: AGO2 (argonaute RISC catalytic component 2; minus strand). Cytogenetic location: 8q24.3.
Variant type: single nucleotide variant.
Coding change: c.1168A>C on transcript NM_012154.5 (MANE Select); coding-DNA position 1168, A replaced by C.
Protein change: p.Thr390Pro; replaces threonine 390 with proline.
Molecular consequence: missense variant.
Genome position (GRCh38, 1-based): chr8:140,555,997, T>G on the plus strand (A>C on the coding strand, the complement: AGO2 is on the minus strand). VCF-style: chr8-140555997-T-G. GRCh37 (hg19) VCF-style: chr8-141566096-T-G.
Other names: c.1168A>C, p.Thr390Pro (NM_001164623.3); short protein forms T390P.
Identifiers: ClinVar variation 3393704 (VCV003393704.1).

ClinVar aggregate classification (germline): Uncertain significance (1 of 4 stars; one submission).

Submission:

GeneDx
Classification: Uncertain significance. Last evaluated: 2024-07-05. Review status: criteria provided, single submitter. Criteria: GeneDx Variant Classification Process June 2021. Collection method: clinical testing. Allele origin: germline. Affected: yes.
Comment: Not observed at significant frequency in large population cohorts (gnomAD); In silico analysis indicates that this missense variant does not alter protein structure/function; Has not been previously published as pathogenic or benign to our knowledge